The following is an entry in ClinVar:

NM_004312.3(ARR3):c.333C>G (p.Pro111=)

Gene: ARR3 (arrestin 3; plus strand). Cytogenetic location: Xq13.1.
Variant type: single nucleotide variant.
Coding change: c.333C>G on transcript NM_004312.3 (MANE Select); coding-DNA position 333, C replaced by G.
Protein change: p.Pro111=; no amino-acid change (proline 111 retained).
Molecular consequence: synonymous variant.
Genome position (GRCh38, 1-based): chrX:70,276,269, C>G. VCF-style: chrX-70276269-C-G. GRCh37 (hg19) VCF-style: chrX-69496119-C-G.
Identifiers: ClinVar variation 3342032 (VCV003342032.16).

ClinVar aggregate classification (germline): Likely benign (1 of 4 stars; one submission).

gnomAD v4.1: 3 of 1,209,720 alleles (0.00025%); highest among the groups gnomAD compares: East Asian, 0.0089%; no homozygotes.

Submission:

CeGaT Center for Human Genetics Tuebingen
Classification: Likely benign. Last evaluated: 2024-07-01. Review status: criteria provided, single submitter. Criteria: CeGaT Center For Human Genetics Tuebingen Variant Classification Criteria Version 2. Collection method: clinical testing. Allele origin: germline. Affected: yes. Observed: 1 variant allele.
Comment: ARR3: BP4, BP7